The following is an entry in ClinVar:

NM_001127898.4(CLCN5):c.315+12G>A

Gene: CLCN5 (Cl-/H+ antiporter 5; plus strand). Cytogenetic location: Xp11.23.
Variant type: single nucleotide variant.
Coding change: c.315+12G>A on transcript NM_001127898.4 (MANE Select); 12 bases into the intron after coding-DNA position 315, G replaced by A.
Molecular consequence: intron variant.
Genome position (GRCh38, 1-based): chrX:50,070,042, G>A. VCF-style: chrX-50070042-G-A. GRCh37 (hg19) VCF-style: chrX-49834697-G-A.
Other names: c.315+12G>A (NM_001127899.4); c.105+12G>A (NM_000084.5); c.165+12G>A (NM_001282163.2).
Identifiers: ClinVar variation 913212 (VCV000913212.13), dbSNP rs781796383, ClinGen allele CA10413704.

ClinVar aggregate classification (germline): Benign/Likely benign. Review status: criteria provided, multiple submitters, no conflicts (2 of 4 stars). 4 submissions from 4 submitters: Benign (3); Likely benign (1). Last evaluated 2026-01-22.

Conditions:
X-linked recessive nephrolithiasis with renal failure (XRN). Also called: UROLITHIASIS, X-LINKED RECESSIVE, TYPE 1; NEPHROLITHIASIS 1; NEPHROLITHIASIS, X-LINKED RECESSIVE, TYPE 1. Identifiers: Orphanet 1652, Orphanet 93622, MedGen C0403720, MONDO:0010687, OMIM 310468.
Dent disease type 1 (DENT1). Also called: NEPHROLITHIASIS 2; NEPHROLITHIASIS, HYPERCALCIURIC, X-LINKED. Identifiers: Orphanet 1652, Orphanet 93622, MedGen C1848336, MONDO:0010225, OMIM 300009.
Proteinuria, low molecular weight, with hypercalciuria and nephrocalcinosis. Identifiers: Orphanet 1652, Orphanet 93622, MedGen C1839874, MONDO:0010644, OMIM 308990.
Hypophosphatemic rickets, X-linked recessive (XLHRR). Identifiers: Orphanet 1652, Orphanet 93622, MedGen C1845168, MONDO:0010358, OMIM 300554.

Allele frequency attached by ClinVar (database versions not stated): gnomAD 0.00008 and 0.00009; gnomAD exomes 0.00011 and 0.00050; TOPMed 0.00039; ExAC 0.00053.
gnomAD v4.1: 126 of 1,192,651 alleles (0.011%); highest among the groups gnomAD compares: Admixed American, 0.22%; no homozygotes.

Submissions (4):

Labcorp Genetics (formerly Invitae), Labcorp
Classification: Benign. Last evaluated: 2026-01-22. Review status: criteria provided, single submitter. Criteria: Invitae Variant Classification Sherloc (09022015). Collection method: clinical testing. Allele origin: germline.

Blueprint Genetics
Classification: Likely benign. Last evaluated: 2024-08-28. Review status: criteria provided, single submitter. Criteria: ACMG Guidelines, 2015. Collection method: clinical testing. Allele origin: germline.

Fulgent Genetics
Classification: Benign for Dent disease type 1; Hypophosphatemic rickets, X-linked recessive; Proteinuria, low molecular weight, with hypercalciuria and nephrocalcinosis; X-linked recessive nephrolithiasis with renal failure. Last evaluated: 2021-07-28. Review status: criteria provided, single submitter. Criteria: ACMG Guidelines, 2015. Collection method: clinical testing. Allele origin: unknown.

Illumina Laboratory Services, Illumina
Classification: Benign for Dent disease type 1. Last evaluated: 2018-01-13. Review status: criteria provided, single submitter. Criteria: ICSL Variant Classification Criteria 13 December 2019. Collection method: clinical testing. Allele origin: germline.
Comment: This variant was observed in the ICSL laboratory as part of a predisposition screen in an ostensibly healthy population. It had not been previously curated by ICSL or reported in the Human Gene Mutation Database (HGMD: prior to June 1st, 2018), and was therefore a candidate for classification through an automated scoring system. Utilizing variant allele frequency, disease prevalence and penetrance estimates, and inheritance mode, an automated score was calculated to assess if this variant is too frequent to cause the disease. Based on the score and internal cut-off values, a variant classified as benign is not then subjected to further curation. The score for this variant resulted in a classification of benign for this disease.